The following is an entry in ClinVar:

NM_173551.5(ANKS6):c.549C>T (p.Gly183=)

Gene: ANKS6 (ankyrin repeat and sterile alpha motif domain containing 6; minus strand). Cytogenetic location: 9q22.33.
Variant type: single nucleotide variant.
Coding change: c.549C>T on transcript NM_173551.5 (MANE Select); coding-DNA position 549, C replaced by T.
Protein change: p.Gly183=; no amino-acid change (glycine 183 retained).
Molecular consequence: synonymous variant.
Genome position (GRCh38, 1-based): chr9:98,790,417, G>A on the plus strand (C>T on the coding strand, the complement: ANKS6 is on the minus strand). VCF-style: chr9-98790417-G-A. GRCh37 (hg19) VCF-style: chr9-101552699-G-A.
Other names: c.549C>T (NM_173551.4).
Identifiers: ClinVar variation 1620542 (VCV001620542.9), dbSNP rs769349601, ClinGen allele CA5153817.

ClinVar aggregate classification (germline): Likely benign. Review status: criteria provided, multiple submitters, no conflicts (2 of 4 stars). 2 submissions from 2 submitters: Likely benign (2). Last evaluated 2024-12-29.

Conditions:
ANKS6-related disorder. Also called: ANKS6-related condition.
Nephronophthisis 16 (NPHP16). Identifiers: Orphanet 655, MedGen C3809320, MONDO:0014158, OMIM 615382.

Allele frequency attached by ClinVar (database versions not stated): gnomAD 0.00001; ExAC 0.00003; gnomAD exomes 0.00003; TOPMed 0.00005.
gnomAD v4.1: 18 of 1,613,590 alleles (0.0011%); highest among the groups gnomAD compares: Admixed American, 0.01%; no homozygotes.

Submissions (2):

PreventionGenetics, part of Exact Sciences
Classification: Likely benign for ANKS6-related condition. Last evaluated: 2024-12-29. Review status: criteria provided, single submitter. Criteria: ACMG Guidelines, 2015. Collection method: clinical testing. Allele origin: germline.
Comment: This variant is classified as likely benign based on ACMG/AMP sequence variant interpretation guidelines (Richards et al. 2015 PMID: 25741868, with internal and published modifications).

Labcorp Genetics (formerly Invitae), Labcorp
Classification: Likely benign for Nephronophthisis 16. Last evaluated: 2024-02-24. Review status: criteria provided, single submitter. Criteria: Invitae Variant Classification Sherloc (09022015). Collection method: clinical testing. Allele origin: germline.